The following is an entry in ClinVar:

NM_006766.5(KAT6A):c.5393A>T (p.His1798Leu)

Gene: KAT6A (lysine acetyltransferase 6A; minus strand). Cytogenetic location: 8p11.21.
Variant type: single nucleotide variant.
Coding change: c.5393A>T on transcript NM_006766.5 (MANE Select); coding-DNA position 5393, A replaced by T.
Protein change: p.His1798Leu; replaces histidine 1798 with leucine.
Molecular consequence: missense variant.
Genome position (GRCh38, 1-based): chr8:41,932,827, T>A on the plus strand (A>T on the coding strand, the complement: KAT6A is on the minus strand). VCF-style: chr8-41932827-T-A. GRCh37 (hg19) VCF-style: chr8-41790345-T-A.
Other names: short protein forms H1798L.
Identifiers: ClinVar variation 4700061 (VCV004700061.1).

ClinVar aggregate classification (germline): Uncertain significance (1 of 4 stars; one submission).

gnomAD v4.1: 3 of 1,613,816 alleles (0.00019%); highest among the groups gnomAD compares: Non-Finnish European, 0.00025%; no homozygotes.

Submission:

Labcorp Genetics (formerly Invitae), Labcorp
Classification: Uncertain significance. Last evaluated: 2025-04-23. Review status: criteria provided, single submitter. Criteria: Invitae Variant Classification Sherloc (09022015). Collection method: clinical testing. Allele origin: germline.
Comment: This sequence change replaces histidine, which is basic and polar, with leucine, which is neutral and non-polar, at codon 1798 of the KAT6A protein (p.His1798Leu). This variant is not present in population databases (gnomAD no frequency). This variant has not been reported in the literature in individuals affected with KAT6A-related conditions. Invitae Evidence Modeling of protein sequence and biophysical properties (such as structural, functional, and spatial information, amino acid conservation, physicochemical variation, residue mobility, and thermodynamic stability) indicates that this missense variant is not expected to disrupt KAT6A protein function with a negative predictive value of 95%. In summary, the available evidence is currently insufficient to determine the role of this variant in disease. Therefore, it has been classified as a Variant of Uncertain Significance.